The following is an entry in ClinVar:

NM_005573.4(LMNB1):c.268C>T (p.Arg90Ter)

Gene: LMNB1 (lamin B1; plus strand). Cytogenetic location: 5q23.2.
Variant type: single nucleotide variant.
Coding change: c.268C>T on transcript NM_005573.4 (MANE Select); coding-DNA position 268, C replaced by T.
Protein change: p.Arg90Ter; replaces arginine 90 with a stop codon.
Molecular consequence: nonsense. On other transcripts: non-coding transcript variant (2), intron variant (1).
Genome position (GRCh38, 1-based): chr5:126,777,776, C>T. VCF-style: chr5-126777776-C-T. GRCh37 (hg19) VCF-style: chr5-126113468-C-T.
Other names: c.-272+532C>T (NM_001198557.2); short protein forms R90*.
Identifiers: ClinVar variation 4848033 (VCV004848033.1).

ClinVar aggregate classification (germline): Uncertain significance (1 of 4 stars; one submission).

Submission:

Women's Health and Genetics/Laboratory Corporation of America, LabCorp
Classification: Uncertain significance. Last evaluated: 2026-02-04. Review status: criteria provided, single submitter. Criteria: LabCorp Variant Classification Summary - May 2015. Collection method: clinical testing. Allele origin: germline.
Comment: Variant summary: LMNB1 c.268C>T (p.Arg90X) results in a premature termination codon, predicted to cause a truncation of the encoded protein or absence of the protein due to nonsense mediated decay, however current evidence is not sufficient to establish loss of function as a mechanism for disease. The variant was absent in 117720 control chromosomes. The available data on variant occurrences in the general population are insufficient to allow any conclusion about variant significance. To our knowledge, no occurrence of c.268C>T in individuals affected with LMNB1-related conditions and no experimental evidence demonstrating its impact on protein function have been reported. No submitters have cited clinical-significance assessments for this variant to ClinVar. Based on the evidence outlined above, the variant was classified as uncertain significance.